The following is an entry in ClinVar:

ClinVar aggregate classification (germline): Uncertain significance. Review status: criteria provided, multiple submitters, no conflicts (2 of 4 stars). 3 submissions from 3 submitters: Uncertain significance (2). 1 of the submissions does not count toward it. Last evaluated 2025-03-03.

Conditions:
Bardet-Biedl syndrome 15 (BBS15). Identifiers: Orphanet 110, MedGen C3150127, MONDO:0014443, OMIM 615992.
Heart defect - tongue hamartoma - polysyndactyly syndrome. Also called: Congenital heart defects, hamartomas of tongue, and polysyndactyly. Identifiers: Orphanet 1338, MedGen C1857587, MONDO:0009008, OMIM 217085.
Bardet-Biedl syndrome (BBS). Identifiers: Orphanet 110, MedGen C0752166, MONDO:0015229.
WDPCP-related disorder. Also called: WDPCP-related condition.

Allele frequency attached by ClinVar (database versions not stated): gnomAD 0.00001; TOPMed 0.00002; gnomAD exomes 0.00005 and 0.00011; ExAC 0.00014.
gnomAD v4.1: 30 of 1,613,116 alleles (0.0019%); highest among the groups gnomAD compares: Admixed American, 0.048%; no homozygotes.

Submissions (3):

Labcorp Genetics (formerly Invitae), Labcorp
Classification: Uncertain significance for Bardet-Biedl syndrome. Last evaluated: 2025-03-03. Review status: criteria provided, single submitter. Criteria: Invitae Variant Classification Sherloc (09022015). Collection method: clinical testing. Allele origin: germline.
Comment: This sequence change replaces serine, which is neutral and polar, with phenylalanine, which is neutral and non-polar, at codon 138 of the WDPCP protein (p.Ser138Phe). This variant is present in population databases (rs756891717, gnomAD 0.06%). This variant has not been reported in the literature in individuals affected with WDPCP-related conditions. ClinVar contains an entry for this variant (Variation ID: 860971). Invitae Evidence Modeling of protein sequence and biophysical properties (such as structural, functional, and spatial information, amino acid conservation, physicochemical variation, residue mobility, and thermodynamic stability) has been performed for this missense variant. However, the output from this modeling did not meet the statistical confidence thresholds required to predict the impact of this variant on WDPCP protein function. In summary, the available evidence is currently insufficient to determine the role of this variant in disease. Therefore, it has been classified as a Variant of Uncertain Significance.

Fulgent Genetics
Classification: Uncertain significance for Heart defect - tongue hamartoma - polysyndactyly syndrome; Bardet-Biedl syndrome 15. Last evaluated: 2022-02-23. Review status: criteria provided, single submitter. Criteria: ACMG Guidelines, 2015. Collection method: clinical testing. Allele origin: unknown.

PreventionGenetics, part of Exact Sciences
Classification: Uncertain significance for WDPCP-related condition. Last evaluated: 2024-04-10. Review status: no assertion criteria provided. Collection method: clinical testing. Allele origin: germline. Not counted in ClinVar's aggregate classification.
Comment: The WDPCP c.413C>T variant is predicted to result in the amino acid substitution p.Ser138Phe. To our knowledge, this variant has not been reported in the literature. This variant is reported in 0.064% of alleles in individuals of Latino descent in gnomAD, which may be too common to be an undocumented primary cause of disease. Although we suspect that this variant may be benign, at this time, the clinical significance is uncertain due to the absence of conclusive functional and genetic evidence.

NM_015910.7(WDPCP):c.413C>T (p.Ser138Phe)

Gene: WDPCP (WD repeat containing planar cell polarity effector; minus strand). Cytogenetic location: 2p15.
Variant type: single nucleotide variant.
Coding change: c.413C>T on transcript NM_015910.7 (MANE Select); coding-DNA position 413, C replaced by T.
Protein change: p.Ser138Phe; replaces serine 138 with phenylalanine.
Molecular consequence: missense variant. On other transcripts: non-coding transcript variant (2).
Genome position (GRCh38, 1-based): chr2:63,439,843, G>A on the plus strand (C>T on the coding strand, the complement: WDPCP is on the minus strand). VCF-style: chr2-63439843-G-A. GRCh37 (hg19) VCF-style: chr2-63666977-G-A.
Other names: c.341C>T, p.Ser114Phe (NM_001354044.2); c.413C>T, p.Ser138Phe (NM_001354045.2); short protein forms S114F, S138F.
Identifiers: ClinVar variation 860971 (VCV000860971.10), dbSNP rs756891717, ClinGen allele CA1682473.
Genomic context (GRCh38, chr2:63,439,843, plus strand): 5'-TTCCCCACCAGGCTTCTGTCAATCACCACTTTCTCCAGCTGCGGCCCAGAAAGGCTTAGA[G>A]ACACCAGCACACCTGAACCAAAAAGGAGCTAAAACCAGGTAAGTGGGGGAGAGAGGGAGG-3'
Protein context (NP_056994.3, residues 128-148): QLLFGSGVLV[Ser138Phe]LSLSGPQLEK